The following is an entry in ClinVar:

NM_170784.3(MKKS):c.364C>T (p.His122Tyr)

Gene: MKKS (MKKS centrosomal shuttling protein; minus strand). Cytogenetic location: 20p12.2.
Variant type: single nucleotide variant.
Coding change: c.364C>T on transcript NM_170784.3 (MANE Select); coding-DNA position 364, C replaced by T.
Protein change: p.His122Tyr; replaces histidine 122 with tyrosine.
Molecular consequence: missense variant.
Genome position (GRCh38, 1-based): chr20:10,413,151, G>A on the plus strand (C>T on the coding strand, the complement: MKKS is on the minus strand). VCF-style: chr20-10413151-G-A. GRCh37 (hg19) VCF-style: chr20-10393799-G-A.
Other names: c.364C>T, p.His122Tyr (NM_018848.3); c.364C>T (NM_018848.2); short protein forms H122Y.
Identifiers: ClinVar variation 834743 (VCV000834743.13), dbSNP rs148221053, ClinGen allele CA9763699.

ClinVar aggregate classification (germline): Uncertain significance. Review status: criteria provided, multiple submitters, no conflicts (2 of 4 stars). 5 submissions from 5 submitters: Uncertain significance (5). Last evaluated 2025-01-20.

Conditions:
MKKS-related disorder. Also called: MKKS-related disorders; MKKS-related condition.
McKusick-Kaufman syndrome (MKKS). Also called: HYDROMETROCOLPOS SYNDROME; HYDROMETROCOLPOS, POSTAXIAL POLYDACTYLY, AND CONGENITAL HEART MALFORMATION. Identifiers: Orphanet 2473, MedGen C0948368, MONDO:0009367, OMIM 236700.
Bardet-Biedl syndrome 6 (BBS6). Identifiers: Orphanet 110, MedGen C1858054, MONDO:0011523, OMIM 605231.
Inborn genetic diseases. Identifiers: MedGen C0950123, MeSH D030342.
Bardet-Biedl syndrome (BBS). Identifiers: Orphanet 110, MedGen C0752166, MONDO:0015229.

Allele frequency attached by ClinVar (database versions not stated): ExAC 0.00001; gnomAD 0.00001; gnomAD exomes 0.00001 and 0.00002; TOPMed 0.00001; ESP Exome Variant Server 0.00008.

Submissions (5):

PreventionGenetics, part of Exact Sciences
Classification: Uncertain significance for MKKS-related condition. Last evaluated: 2025-01-20. Review status: criteria provided, single submitter. Criteria: ACMG Guidelines, 2015. Collection method: clinical testing. Allele origin: germline.
Comment: The MKKS c.364C>T variant is predicted to result in the amino acid substitution p.His122Tyr. To our knowledge, this variant has not been reported in the literature. This variant is reported in 0.0029% of alleles in individuals of Latino descent in gnomAD. Of note, in multiple species a tyrosine (Tyr) is present at the His122 residue. At this time, the clinical significance of this variant is uncertain due to the absence of conclusive functional and genetic evidence.

Fulgent Genetics
Classification: Uncertain significance for McKusick-Kaufman syndrome; Bardet-Biedl syndrome 6. Last evaluated: 2024-01-09. Review status: criteria provided, single submitter. Criteria: ACMG Guidelines, 2015. Collection method: clinical testing. Allele origin: germline.

Ambry Genetics
Classification: Uncertain significance for Inborn genetic diseases. Last evaluated: 2023-05-23. Review status: criteria provided, single submitter. Criteria: Ambry Variant Classification Scheme 2023. Collection method: clinical testing. Allele origin: germline.

Department of Pathology and Laboratory Medicine, Sinai Health System
Classification: Uncertain significance for McKusick-Kaufman syndrome; Bardet-Biedl syndrome 6. Last evaluated: 2022-08-09. Review status: criteria provided, single submitter. Criteria: ACMG Guidelines, 2015. Collection method: research. Allele origin: germline.

Labcorp Genetics (formerly Invitae), Labcorp
Classification: Uncertain significance for McKusick-Kaufman syndrome; Bardet-Biedl syndrome. Last evaluated: 2021-08-31. Review status: criteria provided, single submitter. Criteria: Invitae Variant Classification Sherloc (09022015). Collection method: clinical testing. Allele origin: germline.
Comment: This sequence change replaces histidine with tyrosine at codon 122 of the MKKS protein (p.His122Tyr). The histidine residue is moderately conserved and there is a moderate physicochemical difference between histidine and tyrosine. This variant is present in population databases (rs148221053, ExAC 0.001%). This variant has not been reported in the literature in individuals affected with MKKS-related conditions. Algorithms developed to predict the effect of missense changes on protein structure and function output the following: SIFT: "Tolerated"; PolyPhen-2: "Benign"; Align-GVGD: "Class C0". The tyrosine amino acid residue is found in multiple mammalian species, which suggests that this missense change does not adversely affect protein function. In summary, the available evidence is currently insufficient to determine the role of this variant in disease. Therefore, it has been classified as a Variant of Uncertain Significance.